The following is an entry in ClinVar:

NC_000005.10:g.112707461C>G

Gene: APC (APC regulator of Wnt signaling pathway; plus strand). Cytogenetic location: 5q22.2.
Variant type: single nucleotide variant.
Genome position: GRCh38 VCF-style: chr5-112707461-C-G. GRCh37 (hg19) VCF-style: chr5-112043158-C-G.
Identifiers: ClinVar variation 1054373 (VCV001054373.10), dbSNP rs1360948145, ClinGen allele CA802056944.

ClinVar aggregate classification (germline): Uncertain significance (1 of 4 stars; one submission).

Conditions:
Familial adenomatous polyposis 1 (FAP1). Also called: FAMILIAL ADENOMATOUS POLYPOSIS 1, ATTENUATED; POLYPOSIS, ADENOMATOUS INTESTINAL. Identifiers: MedGen C2713442, MONDO:0021056, OMIM 175100. Disease mechanism: loss of function.

Allele frequency attached by ClinVar (database versions not stated): gnomAD 0.00001.

Submission:

Labcorp Genetics (formerly Invitae), Labcorp
Classification: Uncertain significance for Familial adenomatous polyposis 1. Last evaluated: 2023-12-15. Review status: criteria provided, single submitter. Criteria: Invitae Variant Classification Sherloc (09022015). Collection method: clinical testing. Allele origin: germline.
Comment: This variant occurs in a non-coding region of the APC gene. It does not change the encoded amino acid sequence of the APC protein. This variant is not present in population databases (gnomAD no frequency). This variant has not been reported in the literature in individuals affected with APC-related conditions. Experimental studies and prediction algorithms are not available or were not evaluated, and the functional significance of this variant is currently unknown. In summary, the available evidence is currently insufficient to determine the role of this variant in disease. Therefore, it has been classified as a Variant of Uncertain Significance.